The following is an entry in ClinVar:

ClinVar aggregate classification (germline): Pathogenic/Likely pathogenic. Review status: criteria provided, multiple submitters, no conflicts (2 of 4 stars). 6 submissions from 6 submitters: Pathogenic (1); Likely pathogenic (5). Last evaluated 2026-02-26.

Conditions:
NF1-related disorder. Also called: NF1-related condition. Identifiers: MedGen CN379171.
Neurofibromatosis, type 1 (NF1). Also called: Neurofibromatosis, type I; VON RECKLINGHAUSEN DISEASE; Peripheral type neurofibromatosis; NEUROFIBROMATOSIS, TYPE I, SOMATIC. Identifiers: Orphanet 636, MedGen C0027831, MONDO:0018975, OMIM 162200. Disease mechanism: loss of function.
Hereditary cancer-predisposing syndrome. Also called: Tumor predisposition; Neoplastic Syndromes, Hereditary; Hereditary Cancer Syndrome; Hereditary neoplastic syndrome. Identifiers: Orphanet 140162, MedGen C0027672, MeSH D009386, MONDO:0015356.
Cardiovascular phenotype. Identifiers: MedGen CN230736.

Submissions (6):

NHS Central & South Genomic Laboratory Hub
Classification: Likely pathogenic for Neurofibromatosis type 1. Last evaluated: 2026-02-26. Review status: criteria provided, single submitter. Criteria: ACMG Guidelines, 2015. Collection method: clinical testing. Allele origin: germline. Affected: yes.

ARUP Laboratories, Molecular Genetics and Genomics, ARUP Laboratories
Classification: Likely pathogenic. Last evaluated: 2025-07-22. Review status: criteria provided, single submitter. Criteria: ARUP Molecular Germline Variant Investigation Process 2024. Collection method: clinical testing. Allele origin: germline.
Comment: The NF1 c.248A>C; p.Gln83Pro variant (rs1060500360, ClinVar Variation ID 641956) is reported in the literature in one affected individual in a family affected with neurofibromatosis type 1 and was found to segregate with disease (Sabbagh 2013). This variant is absent from the Genome Aggregation Database (v2.1.1), indicating it is not a common polymorphism. Computational analyses are uncertain whether this variant is neutral or deleterious (REVEL: 0.402). Based on available information, this variant is considered to be likely pathogenic. References: Sabbagh et al. NF1 molecular characterization and neurofibromatosis type I genotype-phenotype correlation: the French experience. Hum Mutat. 2013 Nov;34(11):1510-8. PMID: 23913538.

Labcorp Genetics (formerly Invitae), Labcorp
Classification: Pathogenic for Neurofibromatosis, type 1. Last evaluated: 2025-01-12. Review status: criteria provided, single submitter. Criteria: Invitae Variant Classification Sherloc (09022015). Collection method: clinical testing. Allele origin: germline.
Comment: This sequence change replaces glutamine, which is neutral and polar, with proline, which is neutral and non-polar, at codon 83 of the NF1 protein (p.Gln83Pro). This variant is not present in population databases (gnomAD no frequency). This missense change has been observed in individuals with neurofibromatosis type 1 (PMID: 23913538). It has also been observed to segregate with disease in related individuals. ClinVar contains an entry for this variant (Variation ID: 641956). Invitae Evidence Modeling of protein sequence and biophysical properties (such as structural, functional, and spatial information, amino acid conservation, physicochemical variation, residue mobility, and thermodynamic stability) indicates that this missense variant is expected to disrupt NF1 protein function with a positive predictive value of 95%. For these reasons, this variant has been classified as Pathogenic.

GeneDx
Classification: Likely pathogenic. Last evaluated: 2022-11-10. Review status: criteria provided, single submitter. Criteria: GeneDx Variant Classification Process June 2021. Collection method: clinical testing. Allele origin: germline. Affected: yes.
Comment: Reported to segregate with disease in individuals with neurofibromatosis type 1 from a single family in published literature, however, family-specific clinical information and pedigree were not provided (Sabbagh et al., 2013); In silico analysis supports that this missense variant has a deleterious effect on protein structure/function; Not observed at significant frequency in large population cohorts (gnomAD); This variant is associated with the following publications: (PMID: 34418705, 23913538)

Blueprint Genetics
Classification: Likely pathogenic for NF1-related disorders. Last evaluated: 2020-03-09. Review status: criteria provided, single submitter. Criteria: ACMG Guidelines, 2015. Collection method: clinical testing. Allele origin: germline. Affected: yes. Observed: 2 variant alleles.

Ambry Genetics
Classification: Likely pathogenic for Cardiovascular phenotype; Hereditary cancer-predisposing syndrome. Last evaluated: 2019-12-20. Review status: criteria provided, single submitter. Criteria: Ambry Variant Classification Scheme 2023. Collection method: clinical testing. Allele origin: germline.
Comment: The p.Q83P variant (also known as c.248A>C), located in coding exon 3 of the NF1 gene, results from an A to C substitution at nucleotide position 248. The glutamine at codon 83 is replaced by proline, an amino acid with similar properties. This alteration was detected in an individual meeting NIH diagnostic criteria for Neurofibromatosis type 1 (NF1) (Sabbagh A et al. Hum. Mutat., 2013 Nov;34:1510-8). This amino acid position is highly conserved in available vertebrate species. In addition, the in silico prediction for this alteration is inconclusive. Based on the majority of available evidence to date, this variant is likely to be pathogenic.

Literature cited by the submitters: PubMed 23913538 (cited by Labcorp Genetics (formerly Invitae), Labcorp).

NM_001042492.3(NF1):c.248A>C (p.Gln83Pro)

Gene: NF1 (neurofibromin 1; plus strand). Cytogenetic location: 17q11.2.
Variant type: single nucleotide variant.
Coding change: c.248A>C on transcript NM_001042492.3 (MANE Select); coding-DNA position 248, A replaced by C.
Protein change: p.Gln83Pro; replaces glutamine 83 with proline.
Molecular consequence: missense variant.
Genome position (GRCh38, 1-based): chr17:31,159,053, A>C. VCF-style: chr17-31159053-A-C. GRCh37 (hg19) VCF-style: chr17-29486071-A-C.
Other names: c.248A>C, p.Gln83Pro (NM_000267.4, NM_001128147.3); short protein forms Q83P.
Identifiers: ClinVar variation 641956 (VCV000641956.12), dbSNP rs1060500360, ClinGen allele CA398989656.